The following is an entry in ClinVar:

NM_000540.3(RYR1):c.14353T>C (p.Phe4785Leu)

Gene: RYR1 (ryanodine receptor 1; plus strand). Cytogenetic location: 19q13.2.
Variant type: single nucleotide variant.
Coding change: c.14353T>C on transcript NM_000540.3 (MANE Select); coding-DNA position 14353, T replaced by C.
Protein change: p.Phe4785Leu; replaces phenylalanine 4785 with leucine.
Molecular consequence: missense variant.
Genome position (GRCh38, 1-based): chr19:38,578,193, T>C. VCF-style: chr19-38578193-T-C. GRCh37 (hg19) VCF-style: chr19-39068833-T-C.
Other names: c.14338T>C, p.Phe4780Leu (NM_001042723.2); short protein forms F4780L, F4785L.
Identifiers: ClinVar variation 2435508 (VCV002435508.6), dbSNP rs1599660737, ClinGen allele CA405685374.

ClinVar aggregate classification (germline): Uncertain significance. Review status: criteria provided, multiple submitters, no conflicts (2 of 4 stars). 2 submissions from 2 submitters: Uncertain significance (2). Last evaluated 2026-02-05.

Allele frequency attached by ClinVar (database versions not stated): gnomAD exomes below 0.00001.
gnomAD v4.1: 1 of 1,613,646 alleles (0.000062%); highest among the groups gnomAD compares: Non-Finnish European, 0.000085%; no homozygotes.

Submissions (2):

GeneDx
Classification: Uncertain significance. Last evaluated: 2026-02-05. Review status: criteria provided, single submitter. Criteria: GeneDx Variant Classification Process June 2021. Collection method: clinical testing. Allele origin: germline. Affected: yes.
Comment: Not observed at significant frequency in large population cohorts (gnomAD); In silico analysis supports that this missense variant has a deleterious effect on protein structure/function; Has not been previously published as pathogenic or benign to our knowledge; This variant is associated with the following publications: (PMID: 20681998, 33767344)

Revvity Omics, Revvity
Classification: Uncertain significance. Last evaluated: 2021-02-11. Review status: criteria provided, single submitter. Criteria: ACMG Guidelines, 2015. Collection method: clinical testing. Allele origin: germline.